The following is an entry in ClinVar:

NM_001267550.2(TTN):c.93166C>T (p.Arg31056Ter)

Genes: TTN (titin; minus strand), TTN-AS1 (TTN antisense RNA 1; plus strand). Cytogenetic location: 2q31.2.
Variant type: single nucleotide variant.
Coding change: c.93166C>T on transcript NM_001267550.2 (MANE Select); coding-DNA position 93166, C replaced by T.
Protein change: p.Arg31056Ter; replaces arginine 31056 with a stop codon.
Molecular consequence: nonsense.
Genome position (GRCh38, 1-based): chr2:178,548,460, G>A on the plus strand (C>T on the coding strand, the complement: TTN is on the minus strand). VCF-style: chr2-178548460-G-A. GRCh37 (hg19) VCF-style: chr2-179413187-G-A.
Other names: c.88243C>T, p.Arg29415Ter (NM_001256850.1); c.65971C>T, p.Arg21991Ter (NM_003319.4); c.85462C>T, p.Arg28488Ter (NM_133378.4); c.66346C>T, p.Arg22116Ter (NM_133432.3); c.66547C>T, p.Arg22183Ter (NM_133437.4); c.93166C>T (NM_001267550.1, LRG_391t1); short protein forms R31056*, R29415*, R21991*, R28488*, R22116*, R22183*.
Identifiers: ClinVar variation 223326 (VCV000223326.30), dbSNP rs72648250, ClinGen allele CA090755.

ClinVar aggregate classification (germline): Pathogenic/Likely pathogenic. Review status: criteria provided, multiple submitters, no conflicts (2 of 4 stars). 10 submissions from 10 submitters: Pathogenic (4); Likely pathogenic (4). 2 of the submissions do not count toward it. Last evaluated 2026-01-11.

Conditions:
TTN-related disorder. Also called: TTN-related disorders; TTN-related condition; TTN-related disease.
Cardiovascular phenotype. Identifiers: MedGen CN230736.
Autosomal recessive limb-girdle muscular dystrophy type 2J (LGMDR10). Also called: Limb-girdle muscular dystrophy, type 2J; MUSCULAR DYSTROPHY, LIMB-GIRDLE, AUTOSOMAL RECESSIVE 10. Identifiers: Orphanet 140922, MedGen C1837342, MONDO:0012127, OMIM 608807.
Dilated cardiomyopathy 1G (CMD1G). Identifiers: Orphanet 154, MedGen C1858763, MONDO:0011400, OMIM 604145.
Myopathy, myofibrillar, 9, with early respiratory failure (MFM9). Also called: Hereditary myopathy with early respiratory failure; EDSTROM MYOPATHY; MYOPATHY, PROXIMAL, WITH EARLY RESPIRATORY MUSCLE INVOLVEMENT; Myopathy, distal, with early respiratory failure, autosomal dominant. Identifiers: Orphanet 178464, Orphanet 34521, MedGen C1863599, MONDO:0011362, OMIM 603689.
Tibial muscular dystrophy (TMD). Also called: Tibial muscular dystrophy, tardive; UDD MYOPATHY; Udd Distal Myopathy – Tibial Muscular Dystrophy. Identifiers: Orphanet 609, MedGen C1838244, MONDO:0010870, OMIM 600334.
Hypertrophic cardiomyopathy 9. Also called: Familial hypertrophic cardiomyopathy 9. Identifiers: MedGen C1861065, MONDO:0013412, OMIM 613765.
Early-onset myopathy with fatal cardiomyopathy (CMYO5). Also called: Salih Myopathy; CONGENITAL MYOPATHY 5 WITH CARDIOMYOPATHY. Identifiers: Orphanet 289377, MedGen C2673677, MONDO:0012714, OMIM 611705. Disease mechanism: loss of function.
Primary dilated cardiomyopathy (DCM). Also called: Dilated Cardiomyopathy. Identifiers: Orphanet 217604, MedGen C0007193, MeSH D002311, MONDO:0005021, HP:0001644. Inheritance: Various modes of inheritance.

gnomAD v4.1: 8 of 1,613,796 alleles (0.0005%); highest among the groups gnomAD compares: South Asian, 0.0011%; no homozygotes.

Submissions (10):

Labcorp Genetics (formerly Invitae), Labcorp
Classification: Pathogenic for Dilated cardiomyopathy 1G; Autosomal recessive limb-girdle muscular dystrophy type 2J. Last evaluated: 2026-01-11. Review status: criteria provided, single submitter. Criteria: Invitae Variant Classification Sherloc (09022015). Collection method: clinical testing. Allele origin: germline.
Comment: This sequence change creates a premature translational stop signal (p.Arg31056*) in the TTN gene. While this is not anticipated to result in nonsense mediated decay, it is expected to create a truncated TTN protein. This variant is present in population databases (rs72648250, gnomAD 0.0009%). This premature translational stop signal has been observed in individuals with dilated cardiomyopathy (PMID: 22335739, 28045975). It has also been observed to segregate with disease in related individuals. This variant is also known as p.R29415*. ClinVar contains an entry for this variant (Variation ID: 223326). This variant is located in the A band of TTN (PMID: 25589632). Truncating variants in this region are significantly overrepresented in patients affected with dilated cardiomyopathy (PMID: 25589632). Truncating variants in this region have also been reported in individuals affected with autosomal recessive centronuclear myopathy (PMID: 23975875). For these reasons, this variant has been classified as Pathogenic.

GeneDx
Classification: Pathogenic. Last evaluated: 2024-08-23. Review status: criteria provided, single submitter. Criteria: GeneDx Variant Classification Process June 2021. Collection method: clinical testing. Allele origin: germline. Affected: yes.
Comment: Not observed at significant frequency in large population cohorts (gnomAD); Nonsense variant predicted to result in protein truncation or nonsense mediated decay in a gene for which loss of function is a known mechanism of disease; Also reported as Arg21991* due to alternate nomenclature; This variant is associated with the following publications: (PMID: 25589632, 23975875, 33106378, 24119082, 31317183, 31514951, 36264615, 34731015, 36396199, 36761691, 35877578, 22335739)

Molecular Diagnostic Laboratory for Inherited Cardiovascular Disease, Montreal Heart Institute
Classification: Pathogenic for Cardiovascular phenotype. Last evaluated: 2024-05-15. Review status: criteria provided, single submitter. Criteria: ACMG Guidelines, 2015. Collection method: clinical testing. Allele origin: germline. Affected: yes.
Comment: PVS1, PP1_strong, PS4_mod, PM2, PP5

Ambry Genetics
Classification: Pathogenic for Cardiovascular phenotype. Last evaluated: 2022-05-06. Review status: criteria provided, single submitter. Criteria: Ambry Variant Classification Scheme 2023. Collection method: clinical testing. Allele origin: germline.
Comment: The p.R21991* pathogenic mutation (also known as c.65971C>T), located in coding exon 166 of the TTN gene, results from a C to T substitution at nucleotide position 65971. This changes the amino acid from an arginine to a stop codon within coding exon 166. This variant is located in the A-band region of the N2-B isoform of the titin protein, and is constitutively expressed in TTN transcripts (percent spliced in or PSI 100%). This truncating alteration has been reported in unrelated individuals with dilated cardiomyopathy (DCM) and has been reported to segregate with disease in families (Herman DS et al. N Engl J Med. 2012;366(7):619-28; Franaszczyk M. PLoS ONE. 2017;12(1):e0169007). This variant is considered to be rare based on population cohorts in the Genome Aggregation Database (gnomAD). This alteration is expected to result in loss of function by premature protein truncation or nonsense-mediated mRNA decay. While truncating variants in TTN are present in 1-3% of the general population, truncating variants in the A-band are the most common cause of dilated cardiomyopathy (DCM) (Herman DS et al. N. Engl. J. Med., 2012 Feb;366:619-28; Roberts AM et al. Sci Transl Med, 2015 Jan;7:270ra6). TTN truncating variants encoded in constitutive exons (PSI >90%) have been found to be significantly associated with DCM regardless of their position in titin (Schafer S et al. Nat. Genet., 2017 01;49:46-53). Based on the supporting evidence, this alteration is interpreted as a disease-causing mutation.

Fulgent Genetics
Classification: Likely pathogenic for Tibial muscular dystrophy; Myopathy, myofibrillar, 9, with early respiratory failure; Dilated cardiomyopathy 1G; Autosomal recessive limb-girdle muscular dystrophy type 2J; Early-onset myopathy with fatal cardiomyopathy; Hypertrophic cardiomyopathy 9. Last evaluated: 2021-08-12. Review status: criteria provided, single submitter. Criteria: ACMG Guidelines, 2015. Collection method: clinical testing. Allele origin: unknown.

Eurofins Ntd Llc (ga)
Classification: Likely pathogenic. Last evaluated: 2017-09-19. Review status: criteria provided, single submitter. Criteria: EGL Classification Definitions 2015. Collection method: clinical testing. Allele origin: germline. Observed: 1 variant allele, 1 heterozygote.

Cardiovascular Biomedical Research Unit, Royal Brompton & Harefield NHS Foundation Trust
Classification: Likely pathogenic for Primary dilated cardiomyopathy. Last evaluated: 2014-10-08. Review status: criteria provided, single submitter. Criteria: Roberts et al. 2015. Collection method: research. Allele origin: germline. Inheritance: Autosomal dominant inheritance. Affected: yes. Observed: 1 variant allele. Study: Endstage DCM.
Comment: In the seven cohorts assessed, TTNtv were found in 14% of ambulant DCM, 22% end-stage or familial DCM, and 2% controls. Heterozygous nonsense, frameshift and canonical splice-disrupting variants found in constitutive and other highly utilised exons are highly likely to be pathogenic when identified in individuals with phenotypically confirmed DCM. TTNtv found incidentally in healthy individuals (excluding familial assessment of DCM relatives) are thought to have low penetrance, particularly when identified in exons that are not constitutively expressed in the heart.

Juno Genomics, Hangzhou Juno Genomics, Inc
Classification: Likely pathogenic for Early-onset myopathy with fatal cardiomyopathy; Hypertrophic cardiomyopathy 9; Myopathy, myofibrillar, 9, with early respiratory failure; Tibial muscular dystrophy; Dilated cardiomyopathy 1G; Autosomal recessive limb-girdle muscular dystrophy type 2J. Review status: criteria provided, single submitter. Criteria: ACMG Guidelines, 2015. Collection method: clinical testing. Allele origin: germline.
Comment: Absent from controls (or at extremely low frequency if recessive) in Genome Aggregation Database.;Null variant in a gene where loss of function (LOF) is a known mechanism of disease.;The prevalence of the variant in affected individuals is significantly increased compared to the prevalence in controls.;Patient's phenotype or family history is highly specific for a disease with a single genetic etiology.

PreventionGenetics, part of Exact Sciences
Classification: Pathogenic for TTN-related condition. Last evaluated: 2024-09-11. Review status: no assertion criteria provided. Collection method: clinical testing. Allele origin: germline. Not counted in ClinVar's aggregate classification.
Comment: The TTN c.93166C>T variant is predicted to result in premature protein termination (p.Arg31056*). This variant occurs within the A-band region of the titin protein, in which truncating TTN variants have been found more frequently in dilated cardiomyopathy patients than in controls (Herman et al. 2012. PubMed ID: 22335739). RNAseq studies from heart tissue indicate this exon is commonly included in TTN mRNA transcripts (PSI of 100%, Roberts et al. 2015. PubMed ID: 25589632). TTN truncating variants are reported in 1-2% of presumably healthy individuals and occur more frequently in exons with low PSI values, indicating that this variant is more likely to be disease causing (Herman et al. 2012. PubMed ID: 22335739; Roberts et al. 2015. PubMed ID: 25589632). This variant is also known as c.88242C>T (p.Arg29415*) and has been reported in individuals with dilated cardiomyopathy (for examples, see Supplementary Appendix Table 6, Herman et al. 2012. PubMed ID: 22335739; Franaszczyk et al. 2017. PubMed ID: 28045975). This variant is reported in 0.00089% of alleles in individuals of European (Non-Finnish) descent in gnomAD. In addition, truncating TTN variants have been associated with autosomal recessive titinopathies (Ceyhan-Birsoy et al. 2013. PubMed ID: 23975875, Savarese et al. 2020. PubMed ID: 32778822, Oates et al. 2018. PubMed ID: 29691892; Bryen et al. 2020. PubMed ID: 31660661), with presentations including muscle weakness. Therefore, this variant is interpreted as pathogenic for recessive and dominant TTN-related disorders.

Cardiogenetics and Myogenetics Molecular and Cellular Functional Unit, Aphp Sorbonne University-Hopital Pitie Salpetriere
Classification: Likely pathogenic for Dilated cardiomyopathy 1G. Last evaluated: 2024-01-06. Review status: no assertion criteria provided. Collection method: clinical testing. Allele origin: germline. Affected: yes. Not counted in ClinVar's aggregate classification.

Literature cited by the submitters: PubMed 22335739 (cited by 3 submitters); PubMed 28045975 (cited by Labcorp Genetics (formerly Invitae), Labcorp and Ambry Genetics); PubMed 25589632 (cited by 3 submitters); PubMed 23975875 (cited by Labcorp Genetics (formerly Invitae), Labcorp); PubMed 24119082 (cited by Ambry Genetics).